The following is an entry in ClinVar:

NM_024649.5(BBS1):c.*840A>G

Genes: BBS1 (Bardet-Biedl syndrome 1; plus strand), ZDHHC24 (zDHHC palmitoyltransferase 24; minus strand). Cytogenetic location: 11q13.2.
Variant type: single nucleotide variant.
Coding change: c.*840A>G on transcript NM_024649.5 (MANE Select); 840 bases downstream of the stop codon, A replaced by G.
Molecular consequence: 3 prime UTR variant. On other transcripts: intron variant (1).
Genome position (GRCh38, 1-based): chr11:66,532,877, A>G. VCF-style: chr11-66532877-A-G. GRCh37 (hg19) VCF-style: chr11-66300348-A-G.
Other names: c.560-3389T>C (NM_001348571.2).
Identifiers: ClinVar variation 305481 (VCV000305481.8), dbSNP rs3741360, ClinGen allele CA10631283.

ClinVar aggregate classification (germline): Benign. Review status: criteria provided, multiple submitters, no conflicts (2 of 4 stars). 2 submissions from 2 submitters: Benign (2). Last evaluated 2018-01-12.

Conditions:
Bardet-Biedl syndrome 1 (BBS1). Identifiers: MedGen C2936862, MONDO:0008854, OMIM 209900. Disease mechanism: loss of function.

Allele frequency attached by ClinVar (database versions not stated): gnomAD 0.23257 and 0.23322; 1000 Genomes Project 30x 0.23470; 1000 Genomes Project 0.23582; gnomAD exomes 0.28261; TOPMed 0.21417.
gnomAD v4.1: 35,379 of 152,352 alleles (23%); highest among the groups gnomAD compares: East Asian, 27%; 4,376 homozygotes.

Submissions (2):

Illumina Laboratory Services, Illumina
Classification: Benign for Bardet-Biedl syndrome 1. Last evaluated: 2018-01-12. Review status: criteria provided, single submitter. Criteria: ICSL Variant Classification Criteria 13 December 2019. Collection method: clinical testing. Allele origin: germline.
Comment: This variant was observed in the ICSL laboratory as part of a predisposition screen in an ostensibly healthy population. It had not been previously curated by ICSL or reported in the Human Gene Mutation Database (HGMD: prior to June 1st, 2018), and was therefore a candidate for classification through an automated scoring system. Utilizing variant allele frequency, disease prevalence and penetrance estimates, and inheritance mode, an automated score was calculated to assess if this variant is too frequent to cause the disease. Based on the score and internal cut-off values, a variant classified as benign is not then subjected to further curation. The score for this variant resulted in a classification of benign for this disease.

Breakthrough Genomics
Classification: Benign. Review status: criteria provided, single submitter. Criteria: ACMG Guidelines, 2015. Collection method: not provided. Allele origin: germline. Inheritance: Autosomal recessive inheritance. Affected: yes.